The following is an entry in ClinVar:

NM_000245.4(MET):c.1965+20A>G

Gene: MET (MET proto-oncogene, receptor tyrosine kinase; plus strand). Cytogenetic location: 7q31.2.
Variant type: single nucleotide variant.
Coding change: c.1965+20A>G on transcript NM_000245.4 (MANE Select); 20 bases into the intron after coding-DNA position 1965, A replaced by G.
Molecular consequence: intron variant.
Genome position (GRCh38, 1-based): chr7:116,757,559, A>G. VCF-style: chr7-116757559-A-G. GRCh37 (hg19) VCF-style: chr7-116397613-A-G.
Other names: c.1965+20A>G (NM_001127500.3, NM_001324401.3); c.675+20A>G (NM_001324402.2).
Identifiers: ClinVar variation 135560 (VCV000135560.8), dbSNP rs587777952, ClinGen allele CA163016.
Genomic context (GRCh38, chr7:116,757,559, plus strand): 5'-ATGGCCACGGGACAACACAATACAGTACATTCTCCTATGTGGTAAGGAAGATTCTATCCT[A>G]TCATGTTTGATTTTTACTTAATCTATTTAAATTATAAGATGAACAAGTTACTTTGTTTTG-3'

ClinVar aggregate classification (germline): Likely benign. Review status: criteria provided, single submitter (1 of 4 stars). 2 submissions from 2 submitters: Likely benign (1). 1 of the submissions does not count toward it. Last evaluated 2024-03-25.

Conditions:
Renal cell carcinoma. Identifiers: Orphanet 217071, MedGen C0007134, MeSH D002292, MONDO:0005086, HP:0005584.

Allele frequency attached by ClinVar (database versions not stated): TOPMed below 0.00001.

Submissions (2):

Labcorp Genetics (formerly Invitae), Labcorp
Classification: Likely benign for Renal cell carcinoma. Last evaluated: 2024-03-25. Review status: criteria provided, single submitter. Criteria: Invitae Variant Classification Sherloc (09022015). Collection method: clinical testing. Allele origin: germline.

ITMI
No classification provided. Condition: AllHighlyPenetrant. Last evaluated: 2013-09-19. Review status: no classification provided. Collection method: reference population. Allele origin: germline. Not counted in ClinVar's aggregate classification.
Comment: Please see associated publication for description of ethnicities

Literature cited by the submitters: PubMed 24728327 (cited by ITMI).